The following is an entry in ClinVar:

NM_001128148.3(TFRC):c.450T>G (p.Asn150Lys)

Gene: TFRC (transferrin receptor; minus strand). Cytogenetic location: 3q29.
Variant type: single nucleotide variant.
Coding change: c.450T>G on transcript NM_001128148.3 (MANE Select); coding-DNA position 450, T replaced by G.
Protein change: p.Asn150Lys; replaces asparagine 150 with lysine.
Molecular consequence: missense variant. On other transcripts: 5 prime UTR variant (1).
Genome position (GRCh38, 1-based): chr3:196,072,137, A>C on the plus strand (T>G on the coding strand, the complement: TFRC is on the minus strand). VCF-style: chr3-196072137-A-C. GRCh37 (hg19) VCF-style: chr3-195799008-A-C.
Other names: c.207T>G, p.Asn69Lys (NM_001313965.2); c.-397T>G (NM_001313966.2); c.450T>G, p.Asn150Lys (NM_003234.4); short protein forms N69K, N150K.
Identifiers: ClinVar variation 3010982 (VCV003010982.3), dbSNP rs2473985312, ClinGen allele CA355576524.

ClinVar aggregate classification (germline): Uncertain significance (1 of 4 stars; one submission).

Submission:

Labcorp Genetics (formerly Invitae), Labcorp
Classification: Uncertain significance. Last evaluated: 2022-12-13. Review status: criteria provided, single submitter. Criteria: Invitae Variant Classification Sherloc (09022015). Collection method: clinical testing. Allele origin: germline.
Comment: This variant has not been reported in the literature in individuals affected with TFRC-related conditions. This sequence change replaces asparagine, which is neutral and polar, with lysine, which is basic and polar, at codon 150 of the TFRC protein (p.Asn150Lys). This variant is not present in population databases (gnomAD no frequency). Algorithms developed to predict the effect of missense changes on protein structure and function output the following: SIFT: "Tolerated"; PolyPhen-2: "Benign"; Align-GVGD: "Class C0". The lysine amino acid residue is found in multiple mammalian species, which suggests that this missense change does not adversely affect protein function. In summary, the available evidence is currently insufficient to determine the role of this variant in disease. Therefore, it has been classified as a Variant of Uncertain Significance.